The following is an entry in ClinVar:

NM_000092.5(COL4A4):c.4082-8C>T

Gene: COL4A4 (collagen type IV alpha 4 chain; minus strand). Cytogenetic location: 2q36.3.
Variant type: single nucleotide variant.
Coding change: c.4082-8C>T on transcript NM_000092.5 (MANE Select); 8 bases into the intron before coding-DNA position 4082, C replaced by T.
Molecular consequence: intron variant.
Genome position (GRCh38, 1-based): chr2:227,025,818, G>A on the plus strand (C>T on the coding strand, the complement: COL4A4 is on the minus strand). VCF-style: chr2-227025818-G-A. GRCh37 (hg19) VCF-style: chr2-227890534-G-A.
Identifiers: ClinVar variation 334707 (VCV000334707.53), dbSNP rs139571413, ClinGen allele CA2144320.

ClinVar aggregate classification (germline): Benign/Likely benign. Review status: criteria provided, multiple submitters, no conflicts (2 of 4 stars). 7 submissions from 7 submitters: Benign (2); Likely benign (4). 1 of the submissions does not count toward it. Last evaluated 2026-07-01.

Conditions:
Alport syndrome. Also called: Hemorrhagic familial nephritis; Hemorrhagic hereditary nephritis; Congenital hereditary hematuria. Identifiers: Orphanet 63, MedGen C1567741, MONDO:0018965.

Allele frequency attached by ClinVar (database versions not stated): 1000 Genomes Project 0.00200; 1000 Genomes Project 30x 0.00250; TOPMed 0.00312; ESP Exome Variant Server 0.00387; gnomAD exomes 0.00425 and 0.00481; ExAC 0.00470; gnomAD 0.00398 and 0.00420.
gnomAD v4.1: 7,577 of 1,612,640 alleles (0.47%); highest among the groups gnomAD compares: Non-Finnish European, 0.54%; 23 homozygotes.

Submissions (7):

CeGaT Center for Human Genetics Tuebingen
Classification: Likely benign. Last evaluated: 2026-07-01. Review status: criteria provided, single submitter. Criteria: CeGaT Center For Human Genetics Tuebingen Variant Classification Criteria Version 2. Collection method: clinical testing. Allele origin: germline. Affected: yes. Observed: 9 variant alleles.
Comment: COL4A4: BP4, BS2

Labcorp Genetics (formerly Invitae), Labcorp
Classification: Benign. Last evaluated: 2026-02-04. Review status: criteria provided, single submitter. Criteria: Invitae Variant Classification Sherloc (09022015). Collection method: clinical testing. Allele origin: germline.

Blueprint Genetics
Classification: Likely benign. Last evaluated: 2024-11-21. Review status: criteria provided, single submitter. Criteria: ACMG Guidelines, 2015. Collection method: clinical testing. Allele origin: germline.

GeneDx
Classification: Benign. Last evaluated: 2019-09-19. Review status: criteria provided, single submitter. Criteria: GeneDx Variant Classification Process June 2021. Collection method: clinical testing. Allele origin: germline. Affected: yes.

Illumina Laboratory Services, Illumina
Classification: Likely benign for Alport syndrome. Last evaluated: 2018-01-12. Review status: criteria provided, single submitter. Criteria: ICSL Variant Classification Criteria 13 December 2019. Collection method: clinical testing. Allele origin: germline.
Comment: This variant was observed in the ICSL laboratory as part of a predisposition screen in an ostensibly healthy population. It had not been previously curated by ICSL or reported in the Human Gene Mutation Database (HGMD: prior to June 1st, 2018), and was therefore a candidate for classification through an automated scoring system. Utilizing variant allele frequency, disease prevalence and penetrance estimates, and inheritance mode, an automated score was calculated to assess if this variant is too frequent to cause the disease. Based on the score and internal cut-off values, a variant classified as likely benign is not then subjected to further curation. The score for this variant resulted in a classification of likely benign for this disease.

Breakthrough Genomics
Classification: Likely benign. Review status: criteria provided, single submitter. Criteria: ACMG Guidelines, 2015. Collection method: not provided. Allele origin: germline. Inheritance: Autosomal recessive inheritance. Affected: yes.

Natera, Inc.
Classification: Benign for Alport syndrome. Last evaluated: 2019-10-21. Review status: no assertion criteria provided. Collection method: clinical testing. Allele origin: germline. Not counted in ClinVar's aggregate classification.